The following is an entry in ClinVar:

ClinVar aggregate classification (germline): Uncertain significance (1 of 4 stars; one submission).

Conditions:
Atypical glycine encephalopathy. Also called: Glycine encephalopathy with normal serum glycine. Identifiers: Orphanet 289863, MedGen C4310943, MONDO:0015010, OMIM 617301.

Submission:

Labcorp Genetics (formerly Invitae), Labcorp
Classification: Uncertain significance for Atypical glycine encephalopathy. Last evaluated: 2022-07-25. Review status: criteria provided, single submitter. Criteria: Invitae Variant Classification Sherloc (09022015). Collection method: clinical testing. Allele origin: germline.
Comment: In summary, the available evidence is currently insufficient to determine the role of this variant in disease. Therefore, it has been classified as a Variant of Uncertain Significance. Algorithms developed to predict the effect of missense changes on protein structure and function are either unavailable or do not agree on the potential impact of this missense change (SIFT: "Deleterious"; PolyPhen-2: "Benign"; Align-GVGD: "Class C0"). ClinVar contains an entry for this variant (Variation ID: 1486836). This variant has not been reported in the literature in individuals affected with SLC6A9-related conditions. This variant is not present in population databases (gnomAD no frequency). This sequence change replaces proline, which is neutral and non-polar, with alanine, which is neutral and non-polar, at codon 71 of the SLC6A9 protein (p.Pro71Ala).

NM_001024845.3(SLC6A9):c.31-717C>G

Gene: SLC6A9 (solute carrier family 6 member 9; minus strand). Cytogenetic location: 1p34.1.
Variant type: single nucleotide variant.
Coding change: c.31-717C>G on transcript NM_001024845.3 (MANE Select); 717 bases into the intron before coding-DNA position 31, C replaced by G.
Molecular consequence: intron variant. On other transcripts: missense variant (1).
Genome position (GRCh38, 1-based): chr1:44,011,599, G>C on the plus strand (C>G on the coding strand, the complement: SLC6A9 is on the minus strand). VCF-style: chr1-44011599-G-C. GRCh37 (hg19) VCF-style: chr1-44477271-G-C.
Other names: c.211C>G, p.Pro71Ala (NM_201649.4); c.-14-2976C>G (NM_001328630.2, NM_001328626.2); c.31-717C>G (NM_001328629.1); c.125-2976C>G (NM_001328628.1); c.125-1503C>G (NM_001328627.1); c.88-717C>G (NM_001261380.2, NM_006934.4); short protein forms P71A.
Identifiers: ClinVar variation 1486836 (VCV001486836.6), dbSNP rs1321050627, ClinGen allele CA340074188.